The following is an entry in ClinVar:

ClinVar aggregate classification (germline): Uncertain significance (1 of 4 stars; one submission).

Conditions:
Familial thoracic aortic aneurysm and aortic dissection (TAAD). Also called: Thoracic aortic aneurysms and dissections. Identifiers: Orphanet 91387, MedGen C4707243, MONDO:0019625.

Submission:

Ambry Genetics
Classification: Uncertain significance for Familial thoracic aortic aneurysm and aortic dissection. Last evaluated: 2024-02-26. Review status: criteria provided, single submitter. Criteria: Ambry Variant Classification Scheme 2023. Collection method: clinical testing. Allele origin: germline.
Comment: The p.G248V variant (also known as c.743G>T) is located in coding exon 5 of the NOTCH1 gene. The glycine at codon 248 is replaced by valine, an amino acid with dissimilar properties. This change occurs in the first base pair of coding exon 5. This amino acid position is highly conserved in available vertebrate species. In addition, this alteration is predicted to be deleterious by in silico analysis. Based on the available evidence, the clinical significance of this alteration remains unclear.

NM_017617.5(NOTCH1):c.743G>T (p.Gly248Val)

Gene: NOTCH1 (notch receptor 1; minus strand). Cytogenetic location: 9q34.3.
Variant type: single nucleotide variant.
Coding change: c.743G>T on transcript NM_017617.5 (MANE Select); coding-DNA position 743, G replaced by T.
Protein change: p.Gly248Val; replaces glycine 248 with valine.
Molecular consequence: missense variant.
Genome position (GRCh38, 1-based): chr9:136,519,565, C>A on the plus strand (G>T on the coding strand, the complement: NOTCH1 is on the minus strand). VCF-style: chr9-136519565-C-A. GRCh37 (hg19) VCF-style: chr9-139414017-C-A.
Other names: short protein forms G248V.
Identifiers: ClinVar variation 3226992 (VCV003226992.1), dbSNP rs2540463834, ClinGen allele CA375566914.